The following is an entry in ClinVar:

ClinVar aggregate classification (germline): Uncertain significance (1 of 4 stars; one submission).

Submission:

Labcorp Genetics (formerly Invitae), Labcorp
Classification: Uncertain significance. Last evaluated: 2021-07-13. Review status: criteria provided, single submitter. Criteria: Invitae Variant Classification Sherloc (09022015). Collection method: clinical testing. Allele origin: germline.
Comment: This variant is a gross deletion of the genomic region encompassing exon(s) 7-14 of the MCPH1 gene. The 5' boundary is likely confined to intron 6. The 3' end of this event is unknown as it extends through the termination codon beyond the assayed region for this gene and may encompass additional genes. While this deletion is not anticipated to lead to nonsense mediated decay, it is expected to alter mRNA translation or result in a truncated protein product. This variant has not been reported in the literature in individuals affected with MCPH1-related conditions. In summary, the available evidence is currently insufficient to determine the role of this variant in disease. Therefore, it has been classified as a Variant of Uncertain Significance.

NC_000008.10:g.(?_6299568)_(6500570_?)del

Genes: ANGPT2 (angiopoietin 2; minus strand), MCPH1 (microcephalin 1; plus strand). Cytogenetic location: 8p23.1.
Variant type: Deletion.
Identifiers: ClinVar variation 1450079 (VCV001450079.4).